The following is an entry in ClinVar:

NM_001292034.3(TAB2):c.1491T>A (p.Tyr497Ter)

Genes: TAB2 (TGF-beta activated kinase 1 (MAP3K7) binding protein 2; plus strand), LOC126859827 (BRD4-independent group 4 enhancer GRCh37_chr6:149699707-149700906; plus strand). Cytogenetic location: 6q25.1.
Variant type: single nucleotide variant.
Coding change: c.1491T>A on transcript NM_001292034.3 (MANE Select); coding-DNA position 1491, T replaced by A.
Protein change: p.Tyr497Ter; replaces tyrosine 497 with a stop codon.
Molecular consequence: nonsense.
Genome position (GRCh38, 1-based): chr6:149,379,406, T>A. VCF-style: chr6-149379406-T-A. GRCh37 (hg19) VCF-style: chr6-149700542-T-A.
Other names: c.1395T>A, p.Tyr465Ter (NM_001292035.3); c.1491T>A, p.Tyr497Ter (NM_001369506.1, NM_015093.6); short protein forms Y497*, Y465*.
Identifiers: ClinVar variation 561123 (VCV000561123.3), dbSNP rs1562443558, ClinGen allele CA365999677.

ClinVar aggregate classification (germline): Pathogenic. Review status: criteria provided, single submitter (1 of 4 stars). 2 submissions from 2 submitters: Pathogenic (1). 1 of the submissions does not count toward it. Last evaluated 2017-09-01.

Conditions:
Congenital heart defects, multiple types, 2 (CHTD2). Also called: Congenital heart defects, nonsyndromic, 2. Identifiers: Orphanet 664401, MedGen C3554279, MONDO:0014000, OMIM 614980.

Submissions (2):

Baylor Genetics
Classification: Pathogenic for Congenital heart defects, multiple types, 2. Last evaluated: 2017-09-01. Review status: criteria provided, single submitter. Criteria: ACMG Guidelines, 2015. Collection method: clinical testing. Allele origin: de novo. Inheritance: Autosomal dominant inheritance. Affected: yes.

OMIM
Classification: Pathogenic for CONGENITAL HEART DISEASE, MULTIPLE TYPES, 2. Last evaluated: 2021-04-02. Review status: no assertion criteria provided. Collection method: literature only. Allele origin: germline. Not counted in ClinVar's aggregate classification.

Literature cited by the submitters: PubMed 25326635 (cited by Baylor Genetics); PubMed 27452334 (cited by OMIM).